The following is an entry in ClinVar:

NM_020937.4(FANCM):c.3831T>A (p.Asn1277Lys)

Gene: FANCM (FA complementation group M; plus strand). Cytogenetic location: 14q21.2.
Variant type: single nucleotide variant.
Coding change: c.3831T>A on transcript NM_020937.4 (MANE Select); coding-DNA position 3831, T replaced by A.
Protein change: p.Asn1277Lys; replaces asparagine 1277 with lysine.
Molecular consequence: missense variant.
Genome position (GRCh38, 1-based): chr14:45,176,585, T>A. VCF-style: chr14-45176585-T-A. GRCh37 (hg19) VCF-style: chr14-45645788-T-A.
Other names: c.3753T>A, p.Asn1251Lys (NM_001308133.2); short protein forms N1251K, N1277K.
Identifiers: ClinVar variation 1006785 (VCV001006785.7), dbSNP rs1888717904, ClinGen allele CA389603217.

ClinVar aggregate classification (germline): Uncertain significance (1 of 4 stars; one submission).

Conditions:
Fanconi anemia (FA). Also called: Fanconi's anemia. Identifiers: Orphanet 84, MedGen C0015625, MeSH D005199, MONDO:0019391.

Submission:

Labcorp Genetics (formerly Invitae), Labcorp
Classification: Uncertain significance for Fanconi anemia. Last evaluated: 2020-01-01. Review status: criteria provided, single submitter. Criteria: Invitae Variant Classification Sherloc (09022015). Collection method: clinical testing. Allele origin: germline.
Comment: In summary, the available evidence is currently insufficient to determine the role of this variant in disease. Therefore, it has been classified as a Variant of Uncertain Significance. Algorithms developed to predict the effect of missense changes on protein structure and function (SIFT, PolyPhen-2, Align-GVGD) all suggest that this variant is likely to be tolerated, but these predictions have not been confirmed by published functional studies and their clinical significance is uncertain. This variant has not been reported in the literature in individuals with FANCM-related conditions. This variant is not present in population databases (ExAC no frequency). This sequence change replaces asparagine with lysine at codon 1277 of the FANCM protein (p.Asn1277Lys). The asparagine residue is weakly conserved and there is a moderate physicochemical difference between asparagine and lysine.